The following is an entry in ClinVar:

NM_020921.4(NIN):c.5182G>A (p.Asp1728Asn)

Genes: NIN (ninein; minus strand), LOC126861936 (BRD4-independent group 4 enhancer GRCh37_chr14:51210620-51211819; plus strand). Cytogenetic location: 14q22.1.
Variant type: single nucleotide variant.
Coding change: c.5182G>A on transcript NM_020921.4 (MANE Select); coding-DNA position 5182, G replaced by A.
Protein change: p.Asp1728Asn; replaces aspartic acid 1728 with asparagine.
Molecular consequence: missense variant.
Genome position (GRCh38, 1-based): chr14:50,744,248, C>T on the plus strand (G>A on the coding strand, the complement: NIN is on the minus strand). VCF-style: chr14-50744248-C-T. GRCh37 (hg19) VCF-style: chr14-51210966-C-T.
Other names: c.3043G>A, p.Asp1015Asn (NM_016350.5); c.5182G>A, p.Asp1728Asn (NM_182944.3, NM_182946.2); short protein forms D1015N, D1728N.
Identifiers: ClinVar variation 3200086 (VCV003200086.3), dbSNP rs751695141, ClinGen allele CA7181380.

ClinVar aggregate classification (germline): Uncertain significance. Review status: criteria provided, multiple submitters, no conflicts (2 of 4 stars). 2 submissions from 2 submitters: Uncertain significance (2). Last evaluated 2025-09-24.

Allele frequency attached by ClinVar (database versions not stated): gnomAD 0.00001; ExAC 0.00001; TOPMed 0.00002.
gnomAD v4.1: 39 of 1,613,518 alleles (0.0024%); highest among the groups gnomAD compares: Admixed American, 0.0033%; no homozygotes.

Submissions (2):

Labcorp Genetics (formerly Invitae), Labcorp
Classification: Uncertain significance. Last evaluated: 2025-09-24. Review status: criteria provided, single submitter. Criteria: Invitae Variant Classification Sherloc (09022015). Collection method: clinical testing. Allele origin: germline.
Comment: This sequence change replaces aspartic acid, which is acidic and polar, with asparagine, which is neutral and polar, at codon 1728 of the NIN protein (p.Asp1728Asn). This variant is present in population databases (rs751695141, gnomAD 0.003%). This variant has not been reported in the literature in individuals affected with NIN-related conditions. ClinVar contains an entry for this variant (Variation ID: 3200086). An algorithm developed to predict the effect of missense changes on protein structure and function (PolyPhen-2) suggests that this variant is likely to be tolerated. In summary, the available evidence is currently insufficient to determine the role of this variant in disease. Therefore, it has been classified as a Variant of Uncertain Significance.

Ambry Genetics
Classification: Uncertain significance. Last evaluated: 2023-11-03. Review status: criteria provided, single submitter. Criteria: Ambry Variant Classification Scheme 2023. Collection method: clinical testing. Allele origin: germline.